The following is an entry in ClinVar:

ClinVar aggregate classification (germline): Uncertain significance (1 of 4 stars; one submission).

Submission:

GeneDx
Classification: Uncertain significance. Last evaluated: 2025-06-10. Review status: criteria provided, single submitter. Criteria: GeneDx Variant Classification Process June 2021. Collection method: clinical testing. Allele origin: germline. Affected: yes.
Comment: Not observed at significant frequency in large population cohorts (gnomAD); In silico analysis suggests that this missense variant does not alter protein structure/function; Has not been previously published as pathogenic or benign to our knowledge

NM_138927.4(SON):c.5128C>G (p.Pro1710Ala)

Gene: SON (SON DNA and RNA binding protein; plus strand). Cytogenetic location: 21q22.11.
Variant type: single nucleotide variant.
Coding change: c.5128C>G on transcript NM_138927.4 (MANE Select); coding-DNA position 5128, C replaced by G.
Protein change: p.Pro1710Ala; replaces proline 1710 with alanine.
Molecular consequence: missense variant. On other transcripts: non-coding transcript variant (1), intron variant (1).
Genome position (GRCh38, 1-based): chr21:33,554,359, C>G. VCF-style: chr21-33554359-C-G. GRCh37 (hg19) VCF-style: chr21-34926665-C-G.
Other names: c.5128C>G, p.Pro1710Ala (NM_001291411.2, NM_032195.3); c.245-2797C>G (NM_001291412.3); short protein forms P1710A.
Identifiers: ClinVar variation 4537645 (VCV004537645.1).
Genomic context (GRCh38, chr21:33,554,359, plus strand): 5'-CAGACATTAGCAGCTCTGCTCAGCCCTAAAGAAAGTAGTGGAGGAGAAAAAGAAGTACCT[C>G]CCCCTCCTAAAGAGACACTGCCTGATTCAGGATTTTCTGCCAATATTGAGGATATTAATG-3'
Protein context (NP_620305.3, residues 1700-1720): ESSGGEKEVP[Pro1710Ala]PPKETLPDSG